The following is an entry in ClinVar:

ClinVar aggregate classification (germline): Pathogenic (1 of 4 stars; one submission).

Conditions:
Retinitis pigmentosa 59 (RP59). Identifiers: Orphanet 791, MedGen C3151227, MONDO:0013468, OMIM 613861.

Submission:

Labcorp Genetics (formerly Invitae), Labcorp
Classification: Pathogenic for Retinitis pigmentosa 59. Last evaluated: 2023-10-17. Review status: criteria provided, single submitter. Criteria: Invitae Variant Classification Sherloc (09022015). Collection method: clinical testing. Allele origin: unknown.
Comment: This variant is a gross deletion of the genomic region encompassing exon(s) 2-6 of the DHDDS gene, which includes the initiator codon. This deletion extends beyond the assayed region for this gene and therefore may encompass additional genes. It is expected to result in an absent or disrupted protein product. Loss-of-function variants in DHDDS are known to be pathogenic (PMID: 24664742). This variant has not been reported in the literature in individuals affected with DHDDS-related conditions. For these reasons, this variant has been classified as Pathogenic.

Literature cited by the submitters: PubMed 24664742.

NC_000001.10:g.(?_26759437)_(26774171_?)del

Gene: DHDDS (dehydrodolichyl diphosphate synthase subunit; plus strand). Cytogenetic location: 1p36.11.
Variant type: Deletion.
Identifiers: ClinVar variation 3247807 (VCV003247807.1).